The following is an entry in ClinVar:

NM_002291.3(LAMB1):c.1730A>C (p.Gln577Pro)

Gene: LAMB1 (laminin subunit beta 1; minus strand). Cytogenetic location: 7q31.1.
Variant type: single nucleotide variant.
Coding change: c.1730A>C on transcript NM_002291.3 (MANE Select); coding-DNA position 1730, A replaced by C.
Protein change: p.Gln577Pro; replaces glutamine 577 with proline.
Molecular consequence: missense variant.
Genome position (GRCh38, 1-based): chr7:107,963,032, T>G on the plus strand (A>C on the coding strand, the complement: LAMB1 is on the minus strand). VCF-style: chr7-107963032-T-G. GRCh37 (hg19) VCF-style: chr7-107603477-T-G.
Other names: c.1730A>C (NM_002291.2); short protein forms Q577P.
Identifiers: ClinVar variation 1493189 (VCV001493189.10), dbSNP rs138826745, ClinGen allele CA4435900.

ClinVar aggregate classification (germline): Uncertain significance. Review status: criteria provided, multiple submitters, no conflicts (2 of 4 stars). 2 submissions from 2 submitters: Uncertain significance (2). Last evaluated 2025-12-10.

Conditions:
Inborn genetic diseases. Identifiers: MedGen C0950123, MeSH D030342.

Allele frequency attached by ClinVar (database versions not stated): ExAC 0.00003; gnomAD 0.00007 and 0.00008; ESP Exome Variant Server 0.00008; TOPMed 0.00010; gnomAD exomes below 0.00001 and 0.00002.
gnomAD v4.1: 32 of 1,613,824 alleles (0.002%); highest among the groups gnomAD compares: African/African-American, 0.019%; 1 homozygote.

Submissions (2):

Ambry Genetics
Classification: Uncertain significance for Inborn genetic diseases. Last evaluated: 2025-12-10. Review status: criteria provided, single submitter. Criteria: Ambry Variant Classification Scheme 2023. Collection method: clinical testing. Allele origin: germline.

Labcorp Genetics (formerly Invitae), Labcorp
Classification: Uncertain significance. Last evaluated: 2025-07-31. Review status: criteria provided, single submitter. Criteria: Invitae Variant Classification Sherloc (09022015). Collection method: clinical testing. Allele origin: germline.
Comment: This sequence change replaces glutamine, which is neutral and polar, with proline, which is neutral and non-polar, at codon 577 of the LAMB1 protein (p.Gln577Pro). This variant is present in population databases (rs138826745, gnomAD 0.02%). This variant has not been reported in the literature in individuals affected with LAMB1-related conditions. ClinVar contains an entry for this variant (Variation ID: 1493189). An algorithm developed to predict the effect of missense changes on protein structure and function outputs the following: PolyPhen-2: "Benign". The proline amino acid residue is found in multiple mammalian species, which suggests that this missense change does not adversely affect protein function. In summary, the available evidence is currently insufficient to determine the role of this variant in disease. Therefore, it has been classified as a Variant of Uncertain Significance.